The following is an entry in ClinVar:

ClinVar aggregate classification (germline): Likely pathogenic (1 of 4 stars; one submission).

Conditions:
Glycine encephalopathy. Also called: Nonketotic hyperglycinemia; Non-ketotic hyperglycinemia. Identifiers: Orphanet 407, MedGen C0751748, MONDO:0011612, HP:0008288.

Submission:

Natera, Inc.
Classification: Likely pathogenic for Non-ketotic hyperglycinemia. Last evaluated: 2025-12-19. Review status: criteria provided, single submitter. Criteria: Natera Variant Classification Schema (03/2026). Collection method: clinical testing. Allele origin: germline.
Comment: The c.1666-2A>G variant in GLDC is a canonical splice acceptor site variant predicted to affect pre-mRNA splicing, which may result in an abnormal transcript and altered protein product. This variant is expected to result in nonsense mediated decay, truncation, or a dysfunctional protein product. This variant is rare in the general population with a frequency below the threshold expected for the associated phenotype(s). Given the available evidence, this variant is classified as Likely Pathogenic.

NM_000170.3(GLDC):c.1666-2A>G

Gene: GLDC (glycine decarboxylase; minus strand). Cytogenetic location: 9p24.1.
Variant type: single nucleotide variant.
Coding change: c.1666-2A>G on transcript NM_000170.3 (MANE Select); the canonical splice acceptor site of the intron before coding-DNA position 1666, A replaced by G.
Molecular consequence: splice acceptor variant.
Genome position (GRCh38, 1-based): chr9:6,588,444, T>C on the plus strand (A>G on the coding strand, the complement: GLDC is on the minus strand). VCF-style: chr9-6588444-T-C. GRCh37 (hg19) VCF-style: chr9-6588444-T-C.
Identifiers: ClinVar variation 4817853 (VCV004817853.1).